The following is an entry in ClinVar:

NM_001371623.1(TCOF1):c.1567C>G (p.Pro523Ala)

Gene: TCOF1 (treacle ribosome biogenesis factor 1; plus strand). Cytogenetic location: 5q32.
Variant type: single nucleotide variant.
Coding change: c.1567C>G on transcript NM_001371623.1 (MANE Select); coding-DNA position 1567, C replaced by G.
Protein change: p.Pro523Ala; replaces proline 523 with alanine.
Molecular consequence: missense variant.
Genome position (GRCh38, 1-based): chr5:150,375,417, C>G. VCF-style: chr5-150375417-C-G. GRCh37 (hg19) VCF-style: chr5-149754980-C-G.
Other names: c.1336C>G, p.Pro446Ala (NM_000356.4, NM_001135245.2); c.1567C>G, p.Pro523Ala (NM_001008657.3, NM_001135243.2, NM_001135244.2 and 1 more transcripts); short protein forms P446A, P523A.
Identifiers: ClinVar variation 1312779 (VCV001312779.6), dbSNP rs769895138, ClinGen allele CA3510922.

ClinVar aggregate classification (germline): Uncertain significance. Review status: criteria provided, multiple submitters, no conflicts (2 of 4 stars). 5 submissions from 5 submitters: Uncertain significance (5). Last evaluated 2026-07-10.

Conditions:
TCOF1-related disorder. Also called: TCOF1-related condition.
Inborn genetic diseases. Identifiers: MedGen C0950123, MeSH D030342.
Treacher Collins syndrome 1 (TCS1). Also called: TCOF1-Related Treacher Collins Syndrome. Identifiers: Orphanet 861, MedGen CN315775, MONDO:0007944, OMIM 154500.

Allele frequency attached by ClinVar (database versions not stated): gnomAD exomes below 0.00001 and 0.00001; ExAC 0.00001; TOPMed 0.00005; gnomAD 0.00008 and 0.00009.
gnomAD v4.1: 18 of 1,613,332 alleles (0.0011%); highest among the groups gnomAD compares: African/African-American, 0.021%; no homozygotes.

Submissions (5):

PreventionGenetics, part of Exact Sciences
Classification: Uncertain significance for TCOF1-related condition. Last evaluated: 2026-07-10. Review status: criteria provided, single submitter. Criteria: ACMG Guidelines, 2015. Collection method: clinical testing. Allele origin: germline.
Comment: The TCOF1 c.1567C>G variant is predicted to result in the amino acid substitution p.Pro523Ala. This variant was previously reported in an individual with sensorineural hearing loss (supplementary data, Florentine et al. 2022. PubMed ID: 34515852). However, this variant is reported in 0.020% of alleles in individuals of African descent in gnomAD, including 18 heterozygotes in the newest version of the database (v4.1), which may be too frequent to be a primary cause of disease. Although we suspect that this variant may be benign, at this time, the clinical significance of this variant is uncertain due to the absence of conclusive functional and genetic evidence.

Women's Health and Genetics/Laboratory Corporation of America, LabCorp
Classification: Uncertain significance. Last evaluated: 2026-02-17. Review status: criteria provided, single submitter. Criteria: LabCorp Variant Classification Summary - May 2015. Collection method: clinical testing. Allele origin: germline.
Comment: Variant summary: TCOF1 c.1567C>G (p.Pro523Ala) results in a non-conservative amino acid change in the encoded protein sequence. Algorithms developed to predict the effect of missense changes on protein structure and function are either unavailable or do not agree on the potential impact of this missense change. The variant allele was found at a frequency of 4e-06 in 250982 control chromosomes. The available data on variant occurrences in the general population are insufficient to allow any conclusion about variant significance. To our knowledge, no occurrence of c.1567C>G in individuals affected with TCOF1-related conditions and no experimental evidence demonstrating its impact on protein function have been reported. ClinVar contains an entry for this variant (Variation ID: 1312779). Based on the evidence outlined above, the variant was classified as uncertain significance.

Labcorp Genetics (formerly Invitae), Labcorp
Classification: Uncertain significance for Treacher Collins syndrome 1. Last evaluated: 2025-12-23. Review status: criteria provided, single submitter. Criteria: Invitae Variant Classification Sherloc (09022015). Collection method: clinical testing. Allele origin: germline.
Comment: This sequence change replaces proline, which is neutral and non-polar, with alanine, which is neutral and non-polar, at codon 523 of the TCOF1 protein (p.Pro523Ala). This variant is present in population databases (rs769895138, gnomAD 0.02%). This missense change has been observed in individual(s) with deafness (PMID: 34515852). ClinVar contains an entry for this variant (Variation ID: 1312779). Invitae Evidence Modeling of protein sequence and biophysical properties (such as structural, functional, and spatial information, amino acid conservation, physicochemical variation, residue mobility, and thermodynamic stability) indicates that this missense variant is not expected to disrupt TCOF1 protein function with a negative predictive value of 80%. In summary, the available evidence is currently insufficient to determine the role of this variant in disease. Therefore, it has been classified as a Variant of Uncertain Significance.

Ambry Genetics
Classification: Uncertain significance for Inborn genetic diseases. Last evaluated: 2024-07-07. Review status: criteria provided, single submitter. Criteria: Ambry Variant Classification Scheme 2023. Collection method: clinical testing. Allele origin: germline.

GeneDx
Classification: Uncertain significance. Last evaluated: 2022-12-21. Review status: criteria provided, single submitter. Criteria: GeneDx Variant Classification Process June 2021. Collection method: clinical testing. Allele origin: germline. Affected: yes.
Comment: In silico analysis supports that this missense variant has a deleterious effect on protein structure/function; Has not been previously published as pathogenic or benign to our knowledge

Literature cited by the submitters: PubMed 34515852 (cited by Labcorp Genetics (formerly Invitae), Labcorp).